The following is an entry in ClinVar:

NM_004064.5(CDKN1B):c.136G>T (p.Glu46Ter)

Gene: CDKN1B (cyclin dependent kinase inhibitor 1B; plus strand). Cytogenetic location: 12p13.1.
Variant type: single nucleotide variant.
Coding change: c.136G>T on transcript NM_004064.5 (MANE Select); coding-DNA position 136, G replaced by T.
Protein change: p.Glu46Ter; replaces glutamic acid 46 with a stop codon.
Molecular consequence: nonsense.
Genome position (GRCh38, 1-based): chr12:12,717,975, G>T. VCF-style: chr12-12717975-G-T. GRCh37 (hg19) VCF-style: chr12-12870909-G-T.
Other names: short protein forms E46*.
Identifiers: ClinVar variation 4710872 (VCV004710872.1).

ClinVar aggregate classification (germline): Pathogenic (1 of 4 stars; one submission).

Conditions:
Multiple endocrine neoplasia type 4. Also called: MULTIPLE ENDOCRINE NEOPLASIA, TYPE IV. Identifiers: Orphanet 276152, MedGen C1970712, MONDO:0012552, OMIM 610755.

Submission:

Labcorp Genetics (formerly Invitae), Labcorp
Classification: Pathogenic for Multiple endocrine neoplasia type 4. Last evaluated: 2025-12-22. Review status: criteria provided, single submitter. Criteria: Invitae Variant Classification Sherloc (09022015). Collection method: clinical testing. Allele origin: germline.
Comment: This sequence change creates a premature translational stop signal (p.Glu46*) in the CDKN1B gene. It is expected to result in an absent or disrupted protein product. Loss-of-function variants in CDKN1B are known to be pathogenic (PMID: 17030811, 24819502). This variant is not present in population databases (gnomAD no frequency). This variant has not been reported in the literature in individuals affected with CDKN1B-related conditions. For these reasons, this variant has been classified as Pathogenic.

Literature cited by the submitters: PubMed 17030811; PubMed 24819502.